The following is an entry in ClinVar:

ClinVar aggregate classification (germline): Uncertain significance (1 of 4 stars; one submission).

Conditions:
Cardiovascular phenotype. Identifiers: MedGen CN230736.

gnomAD v4.1: 1 of 1,614,072 alleles (0.000062%); highest among the groups gnomAD compares: Non-Finnish European, 0.000085%; no homozygotes.

Submission:

Ambry Genetics
Classification: Uncertain significance for Cardiovascular phenotype. Last evaluated: 2024-10-28. Review status: criteria provided, single submitter. Criteria: Ambry Variant Classification Scheme 2023. Collection method: clinical testing. Allele origin: germline.
Comment: The p.A2491S variant (also known as c.7471G>T), located in coding exon 38 of the ANK2 gene, results from a G to T substitution at nucleotide position 7471. The alanine at codon 2491 is replaced by serine, an amino acid with similar properties. This amino acid position is conserved. In addition, this alteration is predicted to be tolerated by in silico analysis. Based on the available evidence, the clinical significance of this variant remains unclear.

NM_001148.6(ANK2):c.7471G>T (p.Ala2491Ser)

Genes: ANK2 (ankyrin 2; plus strand), LOC126807137 (CDK7 strongly-dependent group 2 enhancer GRCh37_chr4:114276560-114277759; plus strand). Cytogenetic location: 4q26.
Variant type: single nucleotide variant.
Coding change: c.7471G>T on transcript NM_001148.6 (MANE Select); coding-DNA position 7471, G replaced by T.
Protein change: p.Ala2491Ser; replaces alanine 2491 with serine.
Molecular consequence: missense variant. On other transcripts: intron variant (68).
Genome position (GRCh38, 1-based): chr4:113,356,089, G>T. VCF-style: chr4-113356089-G-T. GRCh37 (hg19) VCF-style: chr4-114277245-G-T.
Other names: c.7237G>T, p.Ala2413Ser (NM_001386142.1); c.3871G>T, p.Ala1291Ser (NM_001386166.1); c.7612G>T, p.Ala2538Ser (NM_001386174.1); c.7588G>T, p.Ala2530Ser (NM_001386175.1); c.4412-4734G>T (NM_001386186.2, NM_001386148.2); c.4214-4734G>T (NM_001354269.3); c.4292-4734G>T (NM_001386187.2); c.4253-4734G>T (NM_001386147.1); and 35 more; short protein forms A1291S, A2538S, A2413S, A2530S, A2491S.
Identifiers: ClinVar variation 3540331 (VCV003540331.1).